The following is an entry in ClinVar:

ClinVar aggregate classification (germline): Uncertain significance (1 of 4 stars; one submission).

Submission:

Labcorp Genetics (formerly Invitae), Labcorp
Classification: Uncertain significance. Last evaluated: 2023-10-03. Review status: criteria provided, single submitter. Criteria: Invitae Variant Classification Sherloc (09022015). Collection method: clinical testing. Allele origin: germline.
Comment: This sequence change replaces phenylalanine, which is neutral and non-polar, with cysteine, which is neutral and slightly polar, at codon 497 of the SULF1 protein (p.Phe497Cys). This variant is not present in population databases (gnomAD no frequency). This variant has not been reported in the literature in individuals affected with SULF1-related conditions. ClinVar contains an entry for this variant (Variation ID: 1504035). An algorithm developed to predict the effect of missense changes on protein structure and function (PolyPhen-2) suggests that this variant is likely to be disruptive. In summary, the available evidence is currently insufficient to determine the role of this variant in disease. Therefore, it has been classified as a Variant of Uncertain Significance.

NM_001128205.2(SULF1):c.1490T>G (p.Phe497Cys)

Gene: SULF1 (sulfatase 1; plus strand). Cytogenetic location: 8q13.3.
Variant type: single nucleotide variant.
Coding change: c.1490T>G on transcript NM_001128205.2 (MANE Select); coding-DNA position 1490, T replaced by G.
Protein change: p.Phe497Cys; replaces phenylalanine 497 with cysteine.
Molecular consequence: missense variant. On other transcripts: non-coding transcript variant (3).
Genome position (GRCh38, 1-based): chr8:69,621,147, T>G. VCF-style: chr8-69621147-T-G. GRCh37 (hg19) VCF-style: chr8-70533382-T-G.
Other names: c.1490T>G, p.Phe497Cys (NM_001128204.2, NM_001128206.2, NM_015170.3); short protein forms F497C.
Identifiers: ClinVar variation 1504035 (VCV001504035.8), dbSNP rs2130548925, ClinGen allele CA371229245.